The following is an entry in ClinVar:

NM_016734.3(PAX5):c.640C>T (p.Leu214Phe)

Gene: PAX5 (paired box 5; minus strand). Cytogenetic location: 9p13.2.
Variant type: single nucleotide variant.
Coding change: c.640C>T on transcript NM_016734.3 (MANE Select); coding-DNA position 640, C replaced by T.
Protein change: p.Leu214Phe; replaces leucine 214 with phenylalanine.
Molecular consequence: missense variant. On other transcripts: non-coding transcript variant (2).
Genome position (GRCh38, 1-based): chr9:36,966,689, G>A on the plus strand (C>T on the coding strand, the complement: PAX5 is on the minus strand). VCF-style: chr9-36966689-G-A. GRCh37 (hg19) VCF-style: chr9-36966686-G-A.
Other names: c.640C>T, p.Leu214Phe (NM_001280547.2, NM_001280548.2, NM_001280549.2 and 2 more transcripts); c.316C>T, p.Leu106Phe (NM_001280551.2, NM_001280556.2); c.511C>T, p.Leu171Phe (NM_001280553.2, NM_001280554.2); c.442C>T, p.Leu148Phe (NM_001280555.2); short protein forms L171F, L214F, L106F, L148F.
Identifiers: ClinVar variation 3885887 (VCV003885887.1).

ClinVar aggregate classification (germline): Uncertain significance (1 of 4 stars; one submission).

Conditions:
Inborn genetic diseases. Identifiers: MedGen C0950123, MeSH D030342.

Submission:

Ambry Genetics
Classification: Uncertain significance for Inborn genetic diseases. Last evaluated: 2024-12-14. Review status: criteria provided, single submitter. Criteria: Ambry Variant Classification Scheme 2023. Collection method: clinical testing. Allele origin: germline.
Comment: The p.L214F variant (also known as c.640C>T), located in coding exon 6 of the PAX5 gene, results from a C to T substitution at nucleotide position 640. The leucine at codon 214 is replaced by phenylalanine, an amino acid with highly similar properties. This amino acid position is conserved. In addition, the in silico prediction for this alteration is inconclusive. Based on the available evidence, the clinical significance of this variant remains unclear.